The following is an entry in ClinVar:

ClinVar aggregate classification (germline): Uncertain significance (1 of 4 stars; one submission).

Conditions:
Seizures, benign familial infantile, 3 (BFIS3). Also called: CONVULSIONS, BENIGN FAMILIAL INFANTILE, 3; Familial neonatal seizures. Identifiers: Orphanet 140927, Orphanet 306, MedGen C1843140, MONDO:0011904, OMIM 607745.
Developmental and epileptic encephalopathy, 11 (DEE11). Also called: Early infantile epileptic encephalopathy 11. Identifiers: Orphanet 1934, MedGen C3150987, MONDO:0013388, OMIM 613721.

Submission:

Labcorp Genetics (formerly Invitae), Labcorp
Classification: Uncertain significance for Seizures, benign familial infantile, 3; Developmental and epileptic encephalopathy, 11. Last evaluated: 2024-05-15. Review status: criteria provided, single submitter. Criteria: Invitae Variant Classification Sherloc (09022015). Collection method: clinical testing. Allele origin: germline.
Comment: This sequence change replaces leucine, which is neutral and non-polar, with methionine, which is neutral and non-polar, at codon 407 of the SCN2A protein (p.Leu407Met). This variant is not present in population databases (gnomAD no frequency). This variant has not been reported in the literature in individuals affected with SCN2A-related conditions. ClinVar contains an entry for this variant (Variation ID: 1717811). Advanced modeling of protein sequence and biophysical properties (such as structural, functional, and spatial information, amino acid conservation, physicochemical variation, residue mobility, and thermodynamic stability) performed at Invitae indicates that this missense variant is expected to disrupt SCN2A protein function with a positive predictive value of 95%. In summary, the available evidence is currently insufficient to determine the role of this variant in disease. Therefore, it has been classified as a Variant of Uncertain Significance.

NM_001040142.2(SCN2A):c.1219C>A (p.Leu407Met)

Gene: SCN2A (sodium voltage-gated channel alpha subunit 2; plus strand). Cytogenetic location: 2q24.3.
Variant type: single nucleotide variant.
Coding change: c.1219C>A on transcript NM_001040142.2 (MANE Select); coding-DNA position 1219, C replaced by A.
Protein change: p.Leu407Met; replaces leucine 407 with methionine.
Molecular consequence: missense variant.
Genome position (GRCh38, 1-based): chr2:165,313,944, C>A. VCF-style: chr2-165313944-C-A. GRCh37 (hg19) VCF-style: chr2-166170454-C-A.
Other names: c.1219C>A, p.Leu407Met (NM_001040143.2, NM_001371246.1, NM_001371247.1 and 1 more transcripts); short protein forms L407M.
Identifiers: ClinVar variation 1717811 (VCV001717811.6), dbSNP rs587781155, ClinGen allele CA349022139.